The following is an entry in ClinVar:

NM_001278716.2(FBXL4):c.1104-4G>A

Gene: FBXL4 (F-box and leucine rich repeat protein 4; minus strand). Cytogenetic location: 6q16.1.
Variant type: single nucleotide variant.
Coding change: c.1104-4G>A on transcript NM_001278716.2 (MANE Select); 4 bases into the intron before coding-DNA position 1104, G replaced by A.
Molecular consequence: intron variant.
Genome position (GRCh38, 1-based): chr6:98,899,485, C>T on the plus strand (G>A on the coding strand, the complement: FBXL4 is on the minus strand). VCF-style: chr6-98899485-C-T. GRCh37 (hg19) VCF-style: chr6-99347361-C-T.
Other names: c.1104-4G>A (NM_012160.5).
Identifiers: ClinVar variation 437695 (VCV000437695.1), dbSNP rs370992555, ClinGen allele CA3933521.

ClinVar aggregate classification (germline): Uncertain significance (1 of 4 stars; one submission).

Conditions:
Mitochondrial DNA depletion syndrome 13. Also called: FBXL4-Related Encephalomyopathic Mitochondrial DNA Depletion Syndrome; Mitochondrial DNA depletion syndrome 13 (encephalomyopathic type). Identifiers: Orphanet 369897, MedGen C3809592, MONDO:0014198, OMIM 615471.

Allele frequency attached by ClinVar (database versions not stated): TOPMed 0.00002.
gnomAD v4.1: 4 of 1,608,794 alleles (0.00025%); highest among the groups gnomAD compares: East Asian, 0.0089%; no homozygotes.

Submission:

Wong Mito Lab, Molecular and Human Genetics, Baylor College of Medicine
Classification: Uncertain significance for Mitochondrial DNA depletion syndrome 13. Last evaluated: 2017-08-10. Review status: criteria provided, single submitter. Criteria: ACMG Guidelines, 2015. Collection method: reference population. Allele origin: germline.
Comment: The NM_012160.4:c.1104-4G>A (NP_036292.2:p.=) [GRCH38: NC_000006.12:g.98899485C>T] variant in FBXL4 gene is interpretated to be a Uncertain Significance - Insufficient Evidence based on ACMG guidelines (PMID: 25741868). This variant meets one or more of the following evidence codes reported in the ACMG-guideline. PM2:This variant is absent in key population databases. PP3:Computational evidence/predictors indicate the variant has deleterious effect on FBXL4 structure, function, or protein-protein interaction. Based on this evidence code ClinGen Pathogenicity Calculator (PMID:28081714) suggested that the variant is Uncertain Significance - Insufficient Evidence.